The following is an entry in ClinVar:

NM_000222.3(KIT):c.762A>T (p.Lys254Asn)

Gene: KIT (KIT proto-oncogene, receptor tyrosine kinase; plus strand). Cytogenetic location: 4q12.
Variant type: single nucleotide variant.
Coding change: c.762A>T on transcript NM_000222.3 (MANE Select); coding-DNA position 762, A replaced by T.
Protein change: p.Lys254Asn; replaces lysine 254 with asparagine.
Molecular consequence: missense variant.
Genome position (GRCh38, 1-based): chr4:54,703,729, A>T. VCF-style: chr4-54703729-A-T. GRCh37 (hg19) VCF-style: chr4-55569895-A-T.
Other names: c.762A>T, p.Lys254Asn (NM_001093772.2, NM_001385285.1, NM_001385286.1); c.765A>T, p.Lys255Asn (NM_001385284.1, NM_001385288.1, NM_001385290.1 and 1 more transcripts); short protein forms K254N, K255N.
Identifiers: ClinVar variation 3864538 (VCV003864538.1).

ClinVar aggregate classification (germline): Uncertain significance (1 of 4 stars; one submission).

Conditions:
Hereditary cancer-predisposing syndrome. Also called: Hereditary neoplastic syndrome; Neoplastic Syndromes, Hereditary; Tumor predisposition; Hereditary Cancer Syndrome. Identifiers: Orphanet 140162, MedGen C0027672, MeSH D009386, MONDO:0015356.

Submission:

Ambry Genetics
Classification: Uncertain significance for Hereditary cancer-predisposing syndrome. Last evaluated: 2025-01-29. Review status: criteria provided, single submitter. Criteria: Ambry Variant Classification Scheme 2023. Collection method: clinical testing. Allele origin: germline.
Comment: The p.K254N variant (also known as c.762A>T), located in coding exon 5 of the KIT gene, results from an A to T substitution at nucleotide position 762. The lysine at codon 254 is replaced by asparagine, an amino acid with similar properties. This amino acid position is conserved. In addition, this alteration is predicted to be tolerated by in silico analysis. Based on the available evidence, the clinical significance of this variant remains unclear.